The following is an entry in ClinVar:

ClinVar aggregate classification (germline): Uncertain significance (1 of 4 stars; one submission).

Submission:

GeneDx
Classification: Uncertain significance. Last evaluated: 2022-06-14. Review status: criteria provided, single submitter. Criteria: GeneDx Variant Classification Process June 2021. Collection method: clinical testing. Allele origin: germline. Affected: yes.
Comment: Frameshift variant predicted to result in protein truncation or nonsense mediated decay in a gene or region of a gene for which loss of function is not a well-established mechanism of disease; Not observed at significant frequency in large population cohorts (gnomAD); Has not been previously published as pathogenic or benign to our knowledge

NM_006922.4(SCN3A):c.1827del (p.Ser610fs)

Gene: SCN3A (sodium voltage-gated channel alpha subunit 3; minus strand). Cytogenetic location: 2q24.3.
Variant type: Deletion.
Coding change: c.1827del on transcript NM_006922.4 (MANE Select); coding-DNA position 1827, one base deleted (C; older notation c.1827delC).
Protein change: p.Ser610fs; shifts the reading frame from serine 610.
Molecular consequence: frameshift variant.
Genome position (GRCh38, 1-based): chr2:165,140,843, G deleted on the plus strand (C on the coding strand, the reverse complement: SCN3A is on the minus strand). VCF-style (leftmost placement, unchanged base first): chr2-165140842-AG-A. GRCh37 (hg19) VCF-style: chr2-165997352-AG-A.
Other names: c.1827del, p.Ser610fs (NM_001081676.2, NM_001081677.2); short protein forms S610fs.
Identifiers: ClinVar variation 1804471 (VCV001804471.1), dbSNP rs2468324470, ClinGen allele CA2580064192.